The following is an entry in ClinVar:

ClinVar aggregate classification (germline): Uncertain significance (1 of 4 stars; one submission).

Conditions:
Hereditary cancer-predisposing syndrome. Also called: Neoplastic Syndromes, Hereditary; Hereditary Cancer Syndrome; Hereditary neoplastic syndrome; Tumor predisposition. Identifiers: Orphanet 140162, MedGen C0027672, MeSH D009386, MONDO:0015356.

Submission:

Ambry Genetics
Classification: Uncertain significance for Hereditary cancer-predisposing syndrome. Last evaluated: 2023-04-28. Review status: criteria provided, single submitter. Criteria: Ambry Variant Classification Scheme 2023. Collection method: clinical testing. Allele origin: germline.
Comment: The p.I16L variant (also known as c.46A>C), located in coding exon 1 of the MEN1 gene, results from an A to C substitution at nucleotide position 46. The isoleucine at codon 16 is replaced by leucine, an amino acid with highly similar properties. This amino acid position is conserved. In addition, the in silico prediction for this alteration is inconclusive. Since supporting evidence is limited at this time, the clinical significance of this alteration remains unclear.

NM_001370259.2(MEN1):c.46A>C (p.Ile16Leu)

Gene: MEN1 (menin 1; minus strand). Cytogenetic location: 11q13.1.
Variant type: single nucleotide variant.
Coding change: c.46A>C on transcript NM_001370259.2 (MANE Select); coding-DNA position 46, A replaced by C.
Protein change: p.Ile16Leu; replaces isoleucine 16 with leucine.
Molecular consequence: missense variant. On other transcripts: non-coding transcript variant (4).
Genome position (GRCh38, 1-based): chr11:64,810,064, T>G on the plus strand (A>C on the coding strand, the complement: MEN1 is on the minus strand). VCF-style: chr11-64810064-T-G. GRCh37 (hg19) VCF-style: chr11-64577536-T-G.
Other names: c.46A>C, p.Ile16Leu (NM_130802.3, NM_130803.3, NM_130804.3 and 20 more transcripts); short protein forms I16L.
Identifiers: ClinVar variation 2564977 (VCV002564977.2), dbSNP rs2497289262, ClinGen allele CA381188187.